The following is an entry in ClinVar:

NM_004360.5(CDH1):c.1173C>T (p.Val391=)

Gene: CDH1 (cadherin 1; plus strand). Cytogenetic location: 16q22.1.
Variant type: single nucleotide variant.
Coding change: c.1173C>T on transcript NM_004360.5 (MANE Select); coding-DNA position 1173, C replaced by T.
Protein change: p.Val391=; no amino-acid change (valine 391 retained).
Molecular consequence: synonymous variant. On other transcripts: 5 prime UTR variant (2), intron variant (1).
Genome position (GRCh38, 1-based): chr16:68,813,348, C>T. VCF-style: chr16-68813348-C-T. GRCh37 (hg19) VCF-style: chr16-68847251-C-T.
Other names: c.1173C>T (LRG_301t1, NM_004360.4); c.-443C>T (NM_001317185.2); c.-647C>T (NM_001317186.2); c.1137+1085C>T (NM_001317184.2).
Identifiers: ClinVar variation 136056 (VCV000136056.29), dbSNP rs148080550, ClinGen allele CA332831.

ClinVar aggregate classification (germline): Benign/Likely benign. Review status: criteria provided, multiple submitters, no conflicts (2 of 4 stars). 12 submissions from 12 submitters: Benign (3); Likely benign (7). 2 of the submissions do not count toward it. Last evaluated 2026-01-31.

Conditions:
CDH1-related disorder. Also called: CDH1-related condition.
Breast and/or ovarian cancer. Identifiers: MedGen CN221562.
Hereditary cancer-predisposing syndrome. Also called: Tumor predisposition; Hereditary neoplastic syndrome; Neoplastic Syndromes, Hereditary; Hereditary Cancer Syndrome. Identifiers: Orphanet 140162, MedGen C0027672, MeSH D009386, MONDO:0015356.
Hereditary diffuse gastric adenocarcinoma (HDGC). Also called: DIFFUSE GASTRIC AND LOBULAR BREAST CANCER SYNDROME. Identifiers: Orphanet 26106, MedGen C1708349, MONDO:0007648, OMIM 137215.

Allele frequency attached by ClinVar (database versions not stated): ExAC 0.00002; TOPMed 0.00002; gnomAD 0.00003; gnomAD exomes 0.00003 and 0.00004; ESP Exome Variant Server 0.00008.
gnomAD v4.1: 46 of 1,614,030 alleles (0.0029%); highest among the groups gnomAD compares: South Asian, 0.012%; 1 homozygote.

Submissions (12):

Labcorp Genetics (formerly Invitae), Labcorp
Classification: Likely benign for Hereditary diffuse gastric adenocarcinoma. Last evaluated: 2026-01-31. Review status: criteria provided, single submitter. Criteria: Invitae Variant Classification Sherloc (09022015). Collection method: clinical testing. Allele origin: germline.

Blueprint Genetics
Classification: Likely benign. Last evaluated: 2024-08-27. Review status: criteria provided, single submitter. Criteria: ACMG Guidelines, 2015. Collection method: clinical testing. Allele origin: germline.

Women's Health and Genetics/Laboratory Corporation of America, LabCorp
Classification: Benign. Last evaluated: 2024-07-25. Review status: criteria provided, single submitter. Criteria: LabCorp Variant Classification Summary - May 2015. Collection method: clinical testing. Allele origin: germline.

Quest Diagnostics Nichols Institute San Juan Capistrano
Classification: Benign. Last evaluated: 2023-04-17. Review status: criteria provided, single submitter. Criteria: Quest Diagnostics criteria. Collection method: clinical testing. Allele origin: unknown.

Myriad Genetics, Inc.
Classification: Benign for Hereditary diffuse gastric adenocarcinoma. Last evaluated: 2023-03-06. Review status: criteria provided, single submitter. Criteria: Myriad Autosomal Dominant, Autosomal Recessive and X-Linked Classification Criteria (2023). Collection method: clinical testing. Allele origin: unknown.
Comment: This variant is considered benign. This variant is a silent/synonymous amino acid change and it is not expected to impact splicing.

CHEO Genetics Diagnostic Laboratory, Children's Hospital of Eastern Ontario
Classification: Likely benign for Breast and/or ovarian cancer. Last evaluated: 2022-06-02. Review status: criteria provided, single submitter. Criteria: ACMG Guidelines, 2015. Collection method: clinical testing. Allele origin: germline.

Sema4
Classification: Likely benign for Hereditary cancer-predisposing syndrome. Last evaluated: 2021-11-14. Review status: criteria provided, single submitter. Criteria: Sema4 Curation Guidelines. Collection method: curation. Allele origin: germline.

GeneDx
Classification: Likely benign. Last evaluated: 2020-11-16. Review status: criteria provided, single submitter. Criteria: GeneDx Variant Classification Process June 2021. Collection method: clinical testing. Allele origin: germline. Affected: yes.
Comment: This variant is associated with the following publications: (PMID: 25032700)

Color Diagnostics, LLC DBA Color Health
Classification: Likely benign for Hereditary cancer-predisposing syndrome. Last evaluated: 2016-11-28. Review status: criteria provided, single submitter. Criteria: ACMG Guidelines, 2015. Collection method: clinical testing. Allele origin: germline.

Ambry Genetics
Classification: Likely benign for Hereditary cancer-predisposing syndrome. Last evaluated: 2015-06-02. Review status: criteria provided, single submitter. Criteria: Ambry Variant Classification Scheme 2023. Collection method: clinical testing. Allele origin: germline.

PreventionGenetics, part of Exact Sciences
Classification: Likely benign for CDH1-related condition. Last evaluated: 2019-08-01. Review status: no assertion criteria provided. Collection method: clinical testing. Allele origin: germline. Not counted in ClinVar's aggregate classification.
Comment: This variant is classified as likely benign based on ACMG/AMP sequence variant interpretation guidelines (Richards et al. 2015 PMID: 25741868, with internal and published modifications).

Counsyl
Classification: Likely benign for Hereditary diffuse gastric adenocarcinoma. Last evaluated: 2015-12-23. Review status: no assertion criteria provided. Collection method: clinical testing. Allele origin: unknown. Not counted in ClinVar's aggregate classification.